The following is an entry in ClinVar:

NM_001174147.2(LMX1B):c.676C>T (p.Leu226Phe)

Gene: LMX1B (LIM homeobox transcription factor 1 beta; plus strand). Cytogenetic location: 9q33.3.
Variant type: single nucleotide variant.
Coding change: c.676C>T on transcript NM_001174147.2 (MANE Select); coding-DNA position 676, C replaced by T.
Protein change: p.Leu226Phe; replaces leucine 226 with phenylalanine.
Molecular consequence: missense variant.
Genome position (GRCh38, 1-based): chr9:126,693,258, C>T. VCF-style: chr9-126693258-C-T. GRCh37 (hg19) VCF-style: chr9-129455537-C-T.
Other names: c.676C>T, p.Leu226Phe (NM_001174146.2, NM_002316.4); short protein forms L226F.
Identifiers: ClinVar variation 2136811 (VCV002136811.4), dbSNP rs2490688003, ClinGen allele CA374913492.

ClinVar aggregate classification (germline): Uncertain significance (1 of 4 stars; one submission).

Submission:

Labcorp Genetics (formerly Invitae), Labcorp
Classification: Uncertain significance. Last evaluated: 2024-10-16. Review status: criteria provided, single submitter. Criteria: Invitae Variant Classification Sherloc (09022015). Collection method: clinical testing. Allele origin: germline.
Comment: This sequence change replaces leucine, which is neutral and non-polar, with phenylalanine, which is neutral and non-polar, at codon 226 of the LMX1B protein (p.Leu226Phe). This variant is not present in population databases (gnomAD no frequency). This missense change has been observed in individuals with LMX1B-related conditions (PMID: 9837817, 28117080). ClinVar contains an entry for this variant (Variation ID: 2136811). Invitae Evidence Modeling of protein sequence and biophysical properties (such as structural, functional, and spatial information, amino acid conservation, physicochemical variation, residue mobility, and thermodynamic stability) indicates that this missense variant is not expected to disrupt LMX1B protein function with a negative predictive value of 80%. Experimental studies have shown that this missense change affects LMX1B function (PMID: 9837817). In summary, the available evidence is currently insufficient to determine the role of this variant in disease. Therefore, it has been classified as a Variant of Uncertain Significance.

Literature cited by the submitters: PubMed 9837817; PubMed 28117080.